The following continues an entry in ClinVar:

NM_000179.3(MSH6):c.663A>C (p.Glu221Asp)

Gene: MSH6. ClinVar aggregate classification (germline): Conflicting classifications of pathogenicity. Uncertain significance (3); Benign (7); Likely benign (16).

Submissions 25 to 31 of 31:

Women's Health and Genetics/Laboratory Corporation of America, LabCorp
Classification: Benign. Last evaluated: 2016-10-28. Review status: criteria provided, single submitter. Criteria: LabCorp Variant Classification Summary - May 2015. Collection method: clinical testing. Allele origin: germline.
Comment: Variant summary: The MSH6 c.663A>C (p.Glu221Asp) variant causes a missense change involving a non-conserved nucleotide with 5/5 in silico tools predict a benign outcome, although these predictions have yet to be functionally assessed. The variant of interest was observed in the large, broad control population, ExAC, with an allele frequency of 75/119664 (1/1595), which is approximately 4 times the estimated maximal expected allele frequency for a pathogenic MSH6 variant of 1/7037 (0.0001421), suggesting this variant is likely a benign polymorphism. The variant of interest has been reported in multiple affected individuals via publications. In addition, multiple clinical diagnostic laboratories/databases cite the variant as "likely benign/benign." Therefore, taking all available lines of evidence into consideration, the variant of interest has been classified as Benign.

Ambry Genetics
Classification: Benign for Hereditary cancer-predisposing syndrome. Last evaluated: 2014-07-01. Review status: criteria provided, single submitter. Criteria: Ambry Variant Classification Scheme 2023. Collection method: clinical testing. Allele origin: germline.

Medical Genetics Laboratory, Umraniye Training and Research Hospital, University of Health Sciences
Classification: Uncertain significance for Abnormality of the ovary. Last evaluated: 2021-08-16. Review status: no assertion criteria provided. Collection method: clinical testing. Allele origin: germline. Affected: yes. Observed: 1 variant allele, 1 heterozygote. Not counted in ClinVar's aggregate classification.

True Health Diagnostics
Classification: Likely benign for Hereditary cancer-predisposing syndrome. Last evaluated: 2017-08-30. Review status: no assertion criteria provided. Collection method: clinical testing. Allele origin: germline. Not counted in ClinVar's aggregate classification.

ITMI
No classification provided. Condition: AllHighlyPenetrant. Last evaluated: 2013-09-19. Review status: no classification provided. Collection method: reference population. Allele origin: germline. Not counted in ClinVar's aggregate classification.
Comment: Please see associated publication for description of ethnicities

Department of Pathology and Laboratory Medicine, Sinai Health System
Classification: Likely benign for Carcinoma of colon. Review status: no assertion criteria provided. Collection method: clinical testing. Allele origin: unknown. Affected: yes. Study: The Canadian Open Genetics Repository (COGR). Not counted in ClinVar's aggregate classification.
Comment: The MSH6 p.Glu221Asp variant was identified in 7 of 1567 proband chromosomes (frequency: 0.004) from individuals or families with colorectal cancer (Devlin 2008, Steinke 2008, Bodian 2014, Liccardo 2017, Overbeek 2007, Simbolo 2015). The variant was also identified in dbSNP (ID: rs41557217) as "With Uncertain significance, other allele ", ClinVar (classified as benign by Invitae, Ambry Genetics and one clinical laboratory; as likely benign by GeneDx and four clinical laboratories; as uncertain significance by tree submitters), COGR, Cosmic (1x in Haematopoietic and lymphoid tissue), MutDB, UMD-LSDB (3x as unclassified variant), Mismatch Repair Genes Variant Database (1x), and in Insight Hereditary Tumors Database (2x VUS). The variant was not identified in Zhejiang University Database. The variant was identified in control databases in 189 of 275098 chromosomes at a frequency of 0.0007 increasing the likelihood this could be a low frequency benign variant (Genome Aggregation Database Feb 27, 2017). The variant was observed in the following populations: African in 6 of 23956 chromosomes (freq: 0.0003), Other in 3 of 6442 chromosomes (freq: 0.0005), Latino in 12 of 34380 chromosomes (freq: 0.0003), European in 133 of 126092 chromosomes (freq: 0.001), East Asian in 1 of 18824 chromosomes (freq: 0.00005), Finnish in 1 of 24524 chromosomes (freq: 0.00004), and South Asian in 33 of 30752 chromosomes (freq: 0.001), while the variant was not observed in the Ashkenazi Jewish population. The p.Glu221 residue is conserved in mammals but not in more distantly related organisms however computational analyses (PolyPhen-2, SIFT, AlignGVGD, BLOSUM, MutationTaster) do not suggest a high likelihood of impact to the protein; this information is not predictive enough to rule out pathogenicity. In addition, in functional assay using oligonucleotide-directed mutagenesis screen the variant was not identified as MMR abrogating; the variant was found in patients who also harbored a second, known pathogenic mutation in one of the DNA MMR genes that was likely causative for the LS phenotype (Houlleberghs 2017). The observation of this variant with a co-occurring pathogenic variant (MLH1, EXON05-8, c.381-?_677del+?) by our laboratory increases the likelihood this variant does not have clinical significance. In summary, based on the above information the clinical significance of this variant cannot be determined with certainty at this time although we would lean towards a more benign role for this variant. This variant is classified as likely benign.

Mayo Clinic Laboratories, Mayo Clinic
Classification: Uncertain significance. Review status: no assertion criteria provided. Collection method: clinical testing. Allele origin: unknown. Not counted in ClinVar's aggregate classification.

Literature cited by the submitters: PubMed 28531214 (cited by Quest Diagnostics Nichols Institute San Juan Capistrano); PubMed 24728327 (cited by 3 submitters); PubMed 26333163 (cited by Quest Diagnostics Nichols Institute San Juan Capistrano); PubMed 28481244 (cited by Quest Diagnostics Nichols Institute San Juan Capistrano); PubMed 21153778 (cited by Quest Diagnostics Nichols Institute San Juan Capistrano); PubMed 26898890 (cited by Quest Diagnostics Nichols Institute San Juan Capistrano and Women's Health and Genetics/Laboratory Corporation of America, LabCorp); PubMed 33471991 (cited by Quest Diagnostics Nichols Institute San Juan Capistrano); PubMed 32854451 (cited by Quest Diagnostics Nichols Institute San Juan Capistrano); PubMed 35264596 (cited by Quest Diagnostics Nichols Institute San Juan Capistrano); PubMed 35449176 (cited by Quest Diagnostics Nichols Institute San Juan Capistrano); PubMed 18301448 (cited by Quest Diagnostics Nichols Institute San Juan Capistrano and Women's Health and Genetics/Laboratory Corporation of America, LabCorp); PubMed 18269114 (cited by 3 submitters); PubMed 17344846 (cited by Quest Diagnostics Nichols Institute San Juan Capistrano and Women's Health and Genetics/Laboratory Corporation of America, LabCorp); PubMed 23621914 (cited by Quest Diagnostics Nichols Institute San Juan Capistrano and Women's Health and Genetics/Laboratory Corporation of America, LabCorp); PubMed 17453009 (cited by Quest Diagnostics Nichols Institute San Juan Capistrano and Women's Health and Genetics/Laboratory Corporation of America, LabCorp); PubMed 37894428 (cited by Quest Diagnostics Nichols Institute San Juan Capistrano); PubMed 34579513 (cited by Quest Diagnostics Nichols Institute San Juan Capistrano); PubMed 34371384 (cited by Quest Diagnostics Nichols Institute San Juan Capistrano); PubMed 26300997 (cited by Quest Diagnostics Nichols Institute San Juan Capistrano and Women's Health and Genetics/Laboratory Corporation of America, LabCorp); PubMed 28767289 (cited by Quest Diagnostics Nichols Institute San Juan Capistrano); PubMed 28874130 (cited by Quest Diagnostics Nichols Institute San Juan Capistrano); PubMed 29575718 (cited by Quest Diagnostics Nichols Institute San Juan Capistrano); PubMed 22290698 (cited by Women's Health and Genetics/Laboratory Corporation of America, LabCorp); PubMed 23047549 (cited by Women's Health and Genetics/Laboratory Corporation of America, LabCorp).